The following is an entry in ClinVar:

ClinVar aggregate classification (germline): Uncertain significance. Review status: criteria provided, multiple submitters, no conflicts (2 of 4 stars). 2 submissions from 2 submitters: Uncertain significance (2). Last evaluated 2025-01-18.

Allele frequency attached by ClinVar (database versions not stated): ExAC 0.00001; gnomAD 0.00001; gnomAD exomes 0.00001; TOPMed 0.00002.
gnomAD v4.1: 6 of 1,613,782 alleles (0.00037%); highest among the groups gnomAD compares: African/African-American, 0.0013%; no homozygotes.

Submissions (2):

Ambry Genetics
Classification: Uncertain significance. Last evaluated: 2025-01-18. Review status: criteria provided, single submitter. Criteria: Ambry Variant Classification Scheme 2023. Collection method: clinical testing. Allele origin: germline.

Labcorp Genetics (formerly Invitae), Labcorp
Classification: Uncertain significance. Last evaluated: 2022-10-24. Review status: criteria provided, single submitter. Criteria: Invitae Variant Classification Sherloc (09022015). Collection method: clinical testing. Allele origin: germline.
Comment: This variant is not present in population databases (gnomAD no frequency). This variant has not been reported in the literature in individuals affected with ARHGEF1-related conditions. This sequence change replaces proline, which is neutral and non-polar, with threonine, which is neutral and polar, at codon 597 of the ARHGEF1 protein (p.Pro597Thr). Algorithms developed to predict the effect of missense changes on protein structure and function (SIFT, PolyPhen-2, Align-GVGD) all suggest that this variant is likely to be tolerated. In summary, the available evidence is currently insufficient to determine the role of this variant in disease. Therefore, it has been classified as a Variant of Uncertain Significance.

NM_004706.4(ARHGEF1):c.1744C>A (p.Pro582Thr)

Gene: ARHGEF1 (Rho guanine nucleotide exchange factor 1; plus strand). Cytogenetic location: 19q13.2.
Variant type: single nucleotide variant.
Coding change: c.1744C>A on transcript NM_004706.4 (MANE Select); coding-DNA position 1744, C replaced by A.
Protein change: p.Pro582Thr; replaces proline 582 with threonine.
Molecular consequence: missense variant. On other transcripts: non-coding transcript variant (2).
Genome position (GRCh38, 1-based): chr19:41,903,312, C>A. VCF-style: chr19-41903312-C-A. GRCh37 (hg19) VCF-style: chr19-42407462-C-A.
Other names: c.1912C>A, p.Pro638Thr (NM_001396000.1); c.1645C>A, p.Pro549Thr (NM_001396002.1, NM_001396004.1, NM_198977.2); c.1744C>A, p.Pro582Thr (NM_001396003.1, NM_001396006.1); c.1789C>A, p.Pro597Thr (NM_199002.2); short protein forms P549T, P638T, P582T, P597T.
Identifiers: ClinVar variation 2111325 (VCV002111325.6), dbSNP rs782082042, ClinGen allele CA9466474.